The following is an entry in ClinVar:

NM_001034853.2(RPGR):c.2917G>T (p.Glu973Ter)

Gene: RPGR (retinitis pigmentosa GTPase regulator; minus strand). Cytogenetic location: Xp11.4.
Variant type: single nucleotide variant.
Coding change: c.2917G>T on transcript NM_001034853.2 (MANE Select); coding-DNA position 2917, G replaced by T.
Protein change: p.Glu973Ter; replaces glutamic acid 973 with a stop codon.
Molecular consequence: nonsense. On other transcripts: intron variant (8).
Genome position (GRCh38, 1-based): chrX:38,286,082, C>A on the plus strand (G>T on the coding strand, the complement: RPGR is on the minus strand). VCF-style: chrX-38286082-C-A. GRCh37 (hg19) VCF-style: chrX-38145335-C-A.
Other names: ORF15+1164G>T; IVS15, G-T, +1164; c.1569+4877G>T (NM_001367249.1, NM_001367250.1); c.1902+1012G>T (NM_001367245.1); c.1386+4877G>T (NM_001367251.1); c.1719+1012G>T (NM_001367246.1); c.1572+4877G>T (NM_001367247.1); c.1905+1012G>T (NM_000328.3); and 1 more; short protein forms E973*.
Identifiers: ClinVar variation 866129 (VCV000866129.8), dbSNP rs2067140471, ClinGen allele CA412729458.
Genomic context (GRCh38, chrX:38,286,082, plus strand): 5'-CCTCTTCCCCCTCCCCTTCTCCTTCCTCCTCTTCCCCCTCCCCTTCTCCTTCCTCCCCTT[C>A]CCCTTCTCCTTCCTCTTCCCCCTCCCCTTCTCCTTCCTCCTCTTCCCCCTCCCATTCTCC-3'

ClinVar aggregate classification (germline): Pathogenic. Review status: criteria provided, multiple submitters, no conflicts (2 of 4 stars). 4 submissions from 3 submitters: Pathogenic (2). 2 of the submissions do not count toward it. Last evaluated 2026-01-11.

Conditions:
Primary ciliary dyskinesia. Also called: Ciliary dyskinesia. Identifiers: Orphanet 244, MedGen C0008780, MONDO:0016575, HP:0012265.
Retinitis pigmentosa 3. Also called: CHOROIDORETINAL DEGENERATION WITH RETINAL REFLEX IN HETEROZYGOUS WOMEN. Identifiers: Orphanet 791, MedGen C1845667, MONDO:0010227, OMIM 300029.
Retinal dystrophy. Also called: Inherited retinal dystrophy. Identifiers: Orphanet 71862, MedGen C0854723, MeSH D058499, MONDO:0019118, HP:0000556.
Macular degeneration, X-linked atrophic. Identifiers: Orphanet 1872, MedGen C3151784, MONDO:0010443, OMIM 300834.

Submissions (4):

Labcorp Genetics (formerly Invitae), Labcorp
Classification: Pathogenic for Primary ciliary dyskinesia. Last evaluated: 2026-01-11. Review status: criteria provided, single submitter. Criteria: Invitae Variant Classification Sherloc (09022015). Collection method: clinical testing. Allele origin: germline.
Comment: This sequence change creates a premature translational stop signal (p.Glu973*) in the RPGR (ORF15) gene. While this is not anticipated to result in nonsense mediated decay, it is expected to disrupt the last 180 amino acid(s) of the RPGR (ORF15) protein. This variant is not present in population databases (gnomAD no frequency). This premature translational stop signal has been observed in individual(s) with RPGR-related conditions (PMID: 12160730). This variant is also known as G→T at ORF15+1164. ClinVar contains an entry for this variant (Variation ID: 866129). This variant disrupts a region of the RPGR (ORF15) protein in which other variant(s) (p.Leu1130*) have been determined to be pathogenic (internal data). This suggests that this is a clinically significant region of the protein, and that variants that disrupt it are likely to be disease-causing. For these reasons, this variant has been classified as Pathogenic.

Blueprint Genetics
Classification: Pathogenic for Retinal dystrophy. Last evaluated: 2018-05-27. Review status: criteria provided, single submitter. Criteria: Blueprint Genetics Variant Classification Scheme. Collection method: clinical testing. Allele origin: germline. Affected: yes.

OMIM
Classification: Pathogenic for MACULAR DEGENERATION, ATROPHIC, X-LINKED. Last evaluated: 2002-08-01. Review status: no assertion criteria provided. Collection method: literature only. Allele origin: germline. Not counted in ClinVar's aggregate classification.

Blueprint Genetics
Classification: Pathogenic for Retinitis pigmentosa 3. Review status: no assertion criteria provided. Collection method: clinical testing. Allele origin: germline. Affected: yes. Not counted in ClinVar's aggregate classification.

Literature cited by the submitters: PubMed 12160730 (cited by Labcorp Genetics (formerly Invitae), Labcorp and OMIM).